The following is an entry in ClinVar:

NM_001136472.2(LITAF):c.240C>T (p.Tyr80=)

Gene: LITAF (lipopolysaccharide induced TNF factor; minus strand). Cytogenetic location: 16p13.13.
Variant type: single nucleotide variant.
Coding change: c.240C>T on transcript NM_001136472.2 (MANE Select); coding-DNA position 240, C replaced by T.
Protein change: p.Tyr80=; no amino-acid change (tyrosine 80 retained).
Molecular consequence: synonymous variant. On other transcripts: non-coding transcript variant (1).
Genome position (GRCh38, 1-based): chr16:11,553,670, G>A on the plus strand (C>T on the coding strand, the complement: LITAF is on the minus strand). VCF-style: chr16-11553670-G-A. GRCh37 (hg19) VCF-style: chr16-11647526-G-A.
Other names: c.240C>T, p.Tyr80= (NM_001136473.1, NM_004862.4).
Identifiers: ClinVar variation 215839 (VCV000215839.15), dbSNP rs149184234, ClinGen allele CA336357.

ClinVar aggregate classification (germline): Likely benign. Review status: criteria provided, multiple submitters, no conflicts (2 of 4 stars). 5 submissions from 5 submitters: Likely benign (5). Last evaluated 2026-06-28.

Conditions:
LITAF-related disorder. Also called: LITAF-related condition.
Inborn genetic diseases. Identifiers: MedGen C0950123, MeSH D030342.
Charcot-Marie-Tooth disease type 1C. Also called: Charcot-Marie-Tooth disease, type IC; CMT, SLOW NERVE CONDUCTION TYPE C; CHARCOT-MARIE-TOOTH DISEASE, DEMYELINATING, TYPE 1C; HMSN IC; CHARCOT-MARIE-TOOTH NEUROPATHY, TYPE 1C; NEUROPATHY, HEREDITARY MOTOR AND SENSORY, TYPE IC. Identifiers: Orphanet 101083, MedGen C0270913, MONDO:0010995, OMIM 601098.

Allele frequency attached by ClinVar (database versions not stated): TOPMed 0.00004; gnomAD exomes 0.00007 and 0.00002; ESP Exome Variant Server 0.00008; ExAC 0.00002; gnomAD 0.00003.
gnomAD v4.1: 105 of 1,614,050 alleles (0.0065%); highest among the groups gnomAD compares: Middle Eastern, 0.016%; no homozygotes.

Submissions (5):

PreventionGenetics, part of Exact Sciences
Classification: Likely benign for LITAF-related condition. Last evaluated: 2026-06-28. Review status: criteria provided, single submitter. Criteria: ACMG Guidelines, 2015. Collection method: clinical testing. Allele origin: germline.
Comment: This variant is classified as likely benign based on ACMG/AMP sequence variant interpretation guidelines (Richards et al. 2015 PMID: 25741868, with internal and published modifications).

Women's Health and Genetics/Laboratory Corporation of America, LabCorp
Classification: Likely benign. Last evaluated: 2025-09-04. Review status: criteria provided, single submitter. Criteria: LabCorp Variant Classification Summary - May 2015. Collection method: clinical testing. Allele origin: germline.

Labcorp Genetics (formerly Invitae), Labcorp
Classification: Likely benign for Charcot-Marie-Tooth disease type 1C. Last evaluated: 2025-07-08. Review status: criteria provided, single submitter. Criteria: Invitae Variant Classification Sherloc (09022015). Collection method: clinical testing. Allele origin: germline.

Ambry Genetics
Classification: Likely benign for Inborn genetic diseases. Last evaluated: 2019-07-11. Review status: criteria provided, single submitter. Criteria: Ambry Variant Classification Scheme 2023. Collection method: clinical testing. Allele origin: germline.

Athena Diagnostics
Classification: Likely benign. Last evaluated: 2016-09-27. Review status: criteria provided, single submitter. Criteria: Athena Diagnostics Criteria. Collection method: clinical testing. Allele origin: germline.